The following is an entry in ClinVar:

NM_007194.4(CHEK2):c.830T>C (p.Leu277Ser)

Gene: CHEK2 (checkpoint kinase 2; minus strand). Cytogenetic location: 22q12.1.
Variant type: single nucleotide variant.
Coding change: c.830T>C on transcript NM_007194.4 (MANE Select); coding-DNA position 830, T replaced by C.
Protein change: p.Leu277Ser; replaces leucine 277 with serine.
Molecular consequence: missense variant.
Genome position (GRCh38, 1-based): chr22:28,710,022, A>G on the plus strand (T>C on the coding strand, the complement: CHEK2 is on the minus strand). VCF-style: chr22-28710022-A-G. GRCh37 (hg19) VCF-style: chr22-29106010-A-G.
Other names: c.959T>C, p.Leu320Ser (NM_001005735.3); c.167T>C, p.Leu56Ser (NM_001257387.3); c.629T>C, p.Leu210Ser (NM_001349956.3); c.830T>C, p.Leu277Ser (NM_145862.3); short protein forms L277S, L56S, L320S, L210S.
Identifiers: ClinVar variation 485521 (VCV000485521.15), dbSNP rs1555920150, ClinGen allele CA411102350.

ClinVar aggregate classification (germline): Uncertain significance. Review status: criteria provided, multiple submitters, no conflicts (2 of 4 stars). 2 submissions from 2 submitters: Uncertain significance (2). Last evaluated 2024-01-26.

Conditions:
Hereditary cancer-predisposing syndrome. Also called: Tumor predisposition; Hereditary Cancer Syndrome; Hereditary neoplastic syndrome; Neoplastic Syndromes, Hereditary. Identifiers: Orphanet 140162, MedGen C0027672, MeSH D009386, MONDO:0015356.
Familial cancer of breast. Also called: hereditary breast carcinoma; BREAST CANCER, FAMILIAL; Hereditary breast cancer. Identifiers: Orphanet 227535, MedGen C0346153, MONDO:0016419, OMIM 114480. Disease mechanism: loss of function.

Submissions (2):

Labcorp Genetics (formerly Invitae), Labcorp
Classification: Uncertain significance for Familial cancer of breast. Last evaluated: 2024-01-26. Review status: criteria provided, single submitter. Criteria: Invitae Variant Classification Sherloc (09022015). Collection method: clinical testing. Allele origin: germline.
Comment: This sequence change replaces leucine, which is neutral and non-polar, with serine, which is neutral and polar, at codon 277 of the CHEK2 protein (p.Leu277Ser). This variant is not present in population databases (gnomAD no frequency). This variant has not been reported in the literature in individuals affected with CHEK2-related conditions. ClinVar contains an entry for this variant (Variation ID: 485521). An algorithm developed to predict the effect of missense changes on protein structure and function (PolyPhen-2) suggests that this variant is likely to be disruptive. In summary, the available evidence is currently insufficient to determine the role of this variant in disease. Therefore, it has been classified as a Variant of Uncertain Significance.

Ambry Genetics
Classification: Uncertain significance for Hereditary cancer-predisposing syndrome. Last evaluated: 2021-03-11. Review status: criteria provided, single submitter. Criteria: Ambry Variant Classification Scheme 2023. Collection method: clinical testing. Allele origin: germline.
Comment: The p.L277S variant (also known as c.830T>C), located in coding exon 6 of the CHEK2 gene, results from a T to C substitution at nucleotide position 830. The leucine at codon 277 is replaced by serine, an amino acid with dissimilar properties. This amino acid position is highly conserved in available vertebrate species. In addition, this alteration is predicted to be deleterious by in silico analysis. Since supporting evidence is limited at this time, the clinical significance of this alteration remains unclear.